The following is an entry in ClinVar:

NM_004817.4(TJP2):c.2992-4G>A

Gene: TJP2 (tight junction protein 2; plus strand). Cytogenetic location: 9q21.11.
Variant type: single nucleotide variant.
Coding change: c.2992-4G>A on transcript NM_004817.4 (MANE Select); 4 bases into the intron before coding-DNA position 2992, G replaced by A.
Molecular consequence: intron variant.
Genome position (GRCh38, 1-based): chr9:69,251,031, G>A. VCF-style: chr9-69251031-G-A. GRCh37 (hg19) VCF-style: chr9-71865947-G-A.
Other names: c.2812-1784G>A (NM_001170414.2); c.2917-4G>A (NM_001369870.1); c.2923-4G>A (NM_001369871.1); c.2881-1784G>A (NM_201629.3); c.2881-4G>A (NM_001369872.1); c.2668-4G>A (NM_001369873.1); c.2893-4G>A (NM_001170415.1); c.3085-4G>A (NM_001170416.2); and 2 more.
Identifiers: ClinVar variation 4988470 (VCV004988470.1).
Genomic context (GRCh38, chr9:69,251,031, plus strand): 5'-ACTAATATAGATTTGAAAATAAACTTAAAAGCCCAGGGTGAAAACGTGTCATTGCTCTCC[G>A]CAGGCCAAAACCCAGAACAAAGAAGAATCCTATGACTTCTCCAAATCCTATGAATATAAG-3'

ClinVar aggregate classification (germline): Likely benign (1 of 4 stars; one submission).

Conditions:
TJP2-related disorder. Also called: TJP2-related condition.

gnomAD v4.1: 16 of 1,613,742 alleles (0.00099%); highest among the groups gnomAD compares: Middle Eastern, 0.016%; no homozygotes.

Submission:

PreventionGenetics, part of Exact Sciences
Classification: Likely benign for TJP2-related condition. Last evaluated: 2026-04-21. Review status: criteria provided, single submitter. Criteria: ACMG Guidelines, 2015. Collection method: clinical testing. Allele origin: germline.
Comment: This variant is classified as likely benign based on ACMG/AMP sequence variant interpretation guidelines (Richards et al. 2015 PMID: 25741868, with internal and published modifications).